The following is an entry in ClinVar:

ClinVar aggregate classification (germline): Uncertain significance. Review status: criteria provided, multiple submitters, no conflicts (2 of 4 stars). 3 submissions from 3 submitters: Uncertain significance (2). 1 of the submissions does not count toward it. Last evaluated 2025-03-02.

Conditions:
Inborn genetic diseases. Identifiers: MedGen C0950123, MeSH D030342.
Fanconi anemia (FA). Also called: Fanconi's anemia. Identifiers: Orphanet 84, MedGen C0015625, MeSH D005199, MONDO:0019391.

Submissions (3):

Ambry Genetics
Classification: Uncertain significance for Inborn genetic diseases. Last evaluated: 2025-03-02. Review status: criteria provided, single submitter. Criteria: Ambry Variant Classification Scheme 2023. Collection method: clinical testing. Allele origin: germline.
Comment: The p.A554T variant (also known as c.1660G>A), located in coding exon 18 of the FANCA gene, results from a G to A substitution at nucleotide position 1660. The alanine at codon 554 is replaced by threonine, an amino acid with similar properties. This amino acid position is conserved. In addition, this alteration is predicted to be deleterious by in silico analysis. Based on the available evidence, the clinical significance of this variant remains unclear.

Labcorp Genetics (formerly Invitae), Labcorp
Classification: Uncertain significance for Fanconi anemia. Last evaluated: 2021-08-27. Review status: criteria provided, single submitter. Criteria: Invitae Variant Classification Sherloc (09022015). Collection method: clinical testing. Allele origin: germline.
Comment: This sequence change replaces alanine with threonine at codon 554 of the FANCA protein (p.Ala554Thr). The alanine residue is highly conserved and there is a small physicochemical difference between alanine and threonine. This variant is not present in population databases (ExAC no frequency). This variant has not been reported in the literature in individuals affected with FANCA-related conditions. Advanced modeling of protein sequence and biophysical properties (such as structural, functional, and spatial information, amino acid conservation, physicochemical variation, residue mobility, and thermodynamic stability) performed at Invitae indicates that this missense variant is expected to disrupt FANCA protein function. In summary, the available evidence is currently insufficient to determine the role of this variant in disease. Therefore, it has been classified as a Variant of Uncertain Significance.

Natera, Inc.
Classification: Uncertain significance for Fanconi anemia. Last evaluated: 2021-04-20. Review status: no assertion criteria provided. Collection method: clinical testing. Allele origin: germline. Not counted in ClinVar's aggregate classification.

NM_000135.4(FANCA):c.1660G>A (p.Ala554Thr)

Gene: FANCA (FA complementation group A; minus strand). Cytogenetic location: 16q24.3.
Variant type: single nucleotide variant.
Coding change: c.1660G>A on transcript NM_000135.4 (MANE Select); coding-DNA position 1660, G replaced by A.
Protein change: p.Ala554Thr; replaces alanine 554 with threonine.
Molecular consequence: missense variant.
Genome position (GRCh38, 1-based): chr16:89,779,924, C>T on the plus strand (G>A on the coding strand, the complement: FANCA is on the minus strand). VCF-style: chr16-89779924-C-T. GRCh37 (hg19) VCF-style: chr16-89846332-C-T.
Other names: c.1660G>A, p.Ala554Thr (NM_001286167.3); c.1660G>A (NM_000135.2); short protein forms A554T.
Identifiers: ClinVar variation 1052567 (VCV001052567.10), dbSNP rs2143432789, ClinGen allele CA397456306.